The following is an entry in ClinVar:

ClinVar aggregate classification (germline): Conflicting classifications of pathogenicity. Review status: criteria provided, conflicting classifications (1 of 4 stars). 4 submissions from 4 submitters: Likely pathogenic (3); Uncertain significance (1). Last evaluated 2026-04-06.

Conditions:
Hyperparathyroidism, transient neonatal. Identifiers: MedGen C1300287, MONDO:0032591, OMIM 618188.

Allele frequency attached by ClinVar (database versions not stated): gnomAD exomes below 0.00001.
gnomAD v4.1: 7 of 1,613,936 alleles (0.00043%); highest among the groups gnomAD compares: East Asian, 0.0022%; no homozygotes.

Submissions (4):

Dasa
Classification: Likely pathogenic. Last evaluated: 2026-04-06. Review status: criteria provided, single submitter. Criteria: DASA Assertion Criteria. Collection method: clinical testing. Allele origin: germline.
Comment: NM_018646.6(TRPV6):c.1282G>A (p.Gly428Arg) is a missense variant that results in the substitution of glycine with arginine. This variant has been recurrently observed in individuals with TRPV6-related disorders (PMID: 29861107; PMID: 30820485; PMID: 31930989). Functional evidence supports an impact on the gene or gene product. Also, this variant is rare in population databases. Computational evidence supports a deleterious effect. Based on the currently available evidence, this variant is classified as likely pathogenic.

3billion
Classification: Likely pathogenic for Hyperparathyroidism, transient neonatal. Last evaluated: 2025-06-13. Review status: criteria provided, single submitter. Criteria: ACMG Guidelines, 2015. Collection method: clinical testing. Allele origin: germline. Affected: yes.
Comment: The variant is observed at an extremely low frequency in the gnomAD v4.1.0 dataset (total allele frequency: <0.001%). Predicted Consequence/Location: Missense variant Functional studies provide moderate evidence of the variant having a damaging effect on the gene or gene product (PMID: 29861107). In silico tool predictions suggest damaging effect of the variant on gene or gene product [REVEL: 0.80 (>=0.6, sensitivity 0.68 and specificity 0.92)]. The same nucleotide change resulting in the same amino acid change has been previously reported to be associated with TRPV6-related disorder (ClinVar ID: VCV000692131 /PMID: 29861107). Therefore, this variant is classified as Likely pathogenic according to the recommendation of ACMG/AMP guideline.

Labcorp Genetics (formerly Invitae), Labcorp
Classification: Uncertain significance. Last evaluated: 2024-02-05. Review status: criteria provided, single submitter. Criteria: Invitae Variant Classification Sherloc (09022015). Collection method: clinical testing. Allele origin: germline.
Comment: This sequence change replaces glycine, which is neutral and non-polar, with arginine, which is basic and polar, at codon 428 of the TRPV6 protein (p.Gly428Arg). This variant is not present in population databases (gnomAD no frequency). This missense change has been observed in individuals with transient neonatal severe hyperparathyroidism (PMID: 29861107, 30820485). ClinVar contains an entry for this variant (Variation ID: 692131). Algorithms developed to predict the effect of variants on protein structure and function are not available or were not evaluated for this variant. Experimental studies have shown that this missense change affects TRPV6 function (PMID: 29861107, 32646367). In summary, the available evidence is currently insufficient to determine the role of this variant in disease. Therefore, it has been classified as a Variant of Uncertain Significance.

SIB Swiss Institute of Bioinformatics
Classification: Likely pathogenic for Hyperparathyroidism, transient neonatal. Last evaluated: 2019-05-21. Review status: criteria provided, single submitter. Criteria: ACMG Guidelines, 2015. Collection method: curation. Allele origin: unknown.
Comment: This variant is interpreted as a Likely pathogenic for Hyperparathyroidism, transient neonatal, autosomal recessive. The following ACMG Tag(s) were applied: PM2; PP3; PP1; PS3-Moderate.

Literature cited by the submitters: PubMed 29861107 (cited by 4 submitters); PubMed 30820485 (cited by 3 submitters); PubMed 31930989 (cited by Dasa); PubMed 32646367 (cited by Labcorp Genetics (formerly Invitae), Labcorp).

NM_018646.6(TRPV6):c.1282G>A (p.Gly428Arg)

Gene: TRPV6 (transient receptor potential cation channel subfamily V member 6; minus strand). Cytogenetic location: 7q34.
Variant type: single nucleotide variant.
Coding change: c.1282G>A on transcript NM_018646.6 (MANE Select); coding-DNA position 1282, G replaced by A.
Protein change: p.Gly428Arg; replaces glycine 428 with arginine.
Molecular consequence: missense variant.
Genome position (GRCh38, 1-based): chr7:142,875,125, C>T on the plus strand (G>A on the coding strand, the complement: TRPV6 is on the minus strand). VCF-style: chr7-142875125-C-T. GRCh37 (hg19) VCF-style: chr7-142572878-C-T.
Other names: short protein forms G428R.
Identifiers: ClinVar variation 692131 (VCV000692131.6), dbSNP rs1327315227, ClinGen allele CA369632865.